The following is an entry in ClinVar:

ClinVar aggregate classification (germline): Uncertain significance (1 of 4 stars; one submission).

Submission:

Labcorp Genetics (formerly Invitae), Labcorp
Classification: Uncertain significance. Last evaluated: 2025-11-19. Review status: criteria provided, single submitter. Criteria: Invitae Variant Classification Sherloc (09022015). Collection method: clinical testing. Allele origin: germline.
Comment: This variant, c.87_89dup, results in the insertion of 1 amino acid(s) of the SEMA4A protein (p.Thr30dup), but otherwise preserves the integrity of the reading frame. This variant is present in population databases (rs760427067, gnomAD 0.003%). This variant has not been reported in the literature in individuals affected with SEMA4A-related conditions. Experimental studies and prediction algorithms are not available or were not evaluated, and the functional significance of this variant is currently unknown. In summary, the available evidence is currently insufficient to determine the role of this variant in disease. Therefore, it has been classified as a Variant of Uncertain Significance.

NM_022367.4(SEMA4A):c.81GAC[4] (p.Thr30_Ala31insThr)

Gene: SEMA4A (semaphorin 4A; plus strand). Cytogenetic location: 1q22.
Variant type: Microsatellite.
Coding change: c.81GAC[4] on transcript NM_022367.4 (MANE Select); four copies in a row of the 3-base unit GAC starting at c.81; the reference has three copies in a row; one copy, 3 bases duplicated.
Protein change: p.Thr30_Ala31insThr.
Molecular consequence: inframe insertion. On other transcripts: 5 prime UTR variant (1), intron variant (3).
Genome position (GRCh38, 1-based): chr1:156,154,665-156,154,667, GAC duplicated; duplicating any 3 consecutive bases within chr1:156,154,658-156,154,667 gives the same sequence; the position shown is the placement nearest the transcript's 3' end. VCF-style (leftmost placement, unchanged base first): chr1-156154657-C-CCGA. GRCh37 (hg19) VCF-style: chr1-156124448-C-CCGA.
Other names: c.81GAC[4], p.Thr30_Ala31insThr (NM_001193300.2, NM_001193301.2, NM_001370567.1); c.-444GAC[4] (NM_001370571.1); c.-385-1756CGA[4] (NM_001370569.1); c.-158-1756CGA[4] (NM_001370568.1); c.-159+894CGA[4] (NM_001193302.2).
Identifiers: ClinVar variation 4726710 (VCV004726710.1).